The following is an entry in ClinVar:

NM_012330.4(KAT6B):c.748A>C (p.Lys250Gln)

Gene: KAT6B (lysine acetyltransferase 6B; plus strand). Cytogenetic location: 10q22.2.
Variant type: single nucleotide variant.
Coding change: c.748A>C on transcript NM_012330.4 (MANE Select); coding-DNA position 748, A replaced by C.
Protein change: p.Lys250Gln; replaces lysine 250 with glutamine.
Molecular consequence: missense variant. On other transcripts: intron variant (2).
Genome position (GRCh38, 1-based): chr10:74,969,677, A>C. VCF-style: chr10-74969677-A-C. GRCh37 (hg19) VCF-style: chr10-76729435-A-C.
Other names: c.748A>C, p.Lys250Gln (NM_001256468.2, NM_001256469.2, NM_001370132.1 and 10 more transcripts); c.193-9547A>C (NM_001370134.1); c.192+9599A>C (NM_001370135.1); short protein forms K250Q.
Identifiers: ClinVar variation 1313741 (VCV001313741.4), dbSNP rs2133653927, ClinGen allele CA377281521.
Genomic context (GRCh38, chr10:74,969,677, plus strand): 5'-AAGGCACCATTCCCATCAAGCAATTTGCTTTTTATTCTCATAGGACACCCATCCTGTTTG[A>C]AATTTTGTCCTGAATTAACAACAAATGTAAAGGCCTTAAGGTGGCAGTGCATCGAATGCA-3'
Protein context (NP_036462.2, residues 240-260): CGSSGHPSCL[Lys250Gln]FCPELTTNVK

ClinVar aggregate classification (germline): Likely pathogenic (1 of 4 stars; one submission).

Submission:

GeneDx
Classification: Likely pathogenic. Last evaluated: 2022-04-07. Review status: criteria provided, single submitter. Criteria: GeneDx Variant Classification Process June 2021. Collection method: clinical testing. Allele origin: germline. Affected: yes.
Comment: Not observed in large population cohorts (gnomAD); In silico analysis supports that this missense variant has a deleterious effect on protein structure/function; Has not been previously published as pathogenic or benign to our knowledge